The following is an entry in ClinVar:

NM_001039141.3(TRIOBP):c.6882G>A (p.Gln2294=)

Gene: TRIOBP (TRIO and F-actin binding protein; plus strand). Cytogenetic location: 22q13.1.
Variant type: single nucleotide variant.
Coding change: c.6882G>A on transcript NM_001039141.3 (MANE Select); coding-DNA position 6882, G replaced by A.
Protein change: p.Gln2294=; no amino-acid change (glutamine 2294 retained).
Molecular consequence: synonymous variant.
Genome position (GRCh38, 1-based): chr22:37,771,682, G>A. VCF-style: chr22-37771682-G-A. GRCh37 (hg19) VCF-style: chr22-38167689-G-A.
Other names: c.1743G>A, p.Gln581= (NM_007032.5).
Identifiers: ClinVar variation 4983290 (VCV004983290.1).
Genomic context (GRCh38, chr22:37,771,682, plus strand): 5'-TGGGTCAGTCCAGCACCTATATCCCCAGGTGCTGCTTCGCGTAAAAGAAAACGAACTCCA[G>A]TACCTAAAGAAGGAGGTGCAGTGCCTCCGGGACGAGCTCCAGATGATGCAGAAGGTAGGT-3'
Protein context (NP_001034230.1, residues 2284-2304): VLLRVKENEL[Gln2294=]YLKKEVQCLR

ClinVar aggregate classification (germline): Likely benign (1 of 4 stars; one submission).

Conditions:
TRIOBP-related disorder. Also called: TRIOBP-related condition.

gnomAD v4.1: 1 of 1,614,162 alleles (0.000062%); highest among the groups gnomAD compares: South Asian, 0.0011%; no homozygotes.

Submission:

PreventionGenetics, part of Exact Sciences
Classification: Likely benign for TRIOBP-related condition. Last evaluated: 2026-07-14. Review status: criteria provided, single submitter. Criteria: ACMG Guidelines, 2015. Collection method: clinical testing. Allele origin: germline.
Comment: This variant is classified as likely benign based on ACMG/AMP sequence variant interpretation guidelines (Richards et al. 2015 PMID: 25741868, with internal and published modifications).